The following is an entry in ClinVar:

ClinVar aggregate classification (germline): Uncertain significance (1 of 4 stars; one submission).

Submission:

Labcorp Genetics (formerly Invitae), Labcorp
Classification: Uncertain significance. Last evaluated: 2024-08-27. Review status: criteria provided, single submitter. Criteria: Invitae Variant Classification Sherloc (09022015). Collection method: clinical testing. Allele origin: germline.
Comment: This sequence change replaces phenylalanine, which is neutral and non-polar, with leucine, which is neutral and non-polar, at codon 2181 of the FLNB protein (p.Phe2181Leu). This variant is not present in population databases (gnomAD no frequency). This variant has not been reported in the literature in individuals affected with FLNB-related conditions. Invitae Evidence Modeling of protein sequence and biophysical properties (such as structural, functional, and spatial information, amino acid conservation, physicochemical variation, residue mobility, and thermodynamic stability) indicates that this missense variant is not expected to disrupt FLNB protein function with a negative predictive value of 95%. In summary, the available evidence is currently insufficient to determine the role of this variant in disease. Therefore, it has been classified as a Variant of Uncertain Significance.

NM_001457.4(FLNB):c.6541T>C (p.Phe2181Leu)

Gene: FLNB (filamin B; plus strand). Cytogenetic location: 3p14.3.
Variant type: single nucleotide variant.
Coding change: c.6541T>C on transcript NM_001457.4 (MANE Select); coding-DNA position 6541, T replaced by C.
Protein change: p.Phe2181Leu; replaces phenylalanine 2181 with leucine.
Molecular consequence: missense variant.
Genome position (GRCh38, 1-based): chr3:58,153,548, T>C. VCF-style: chr3-58153548-T-C. GRCh37 (hg19) VCF-style: chr3-58139275-T-C.
Other names: c.6634T>C, p.Phe2212Leu (NM_001164317.2); c.6508T>C, p.Phe2170Leu (NM_001164318.2); c.6469T>C, p.Phe2157Leu (NM_001164319.2); short protein forms F2170L, F2212L, F2157L, F2181L.
Identifiers: ClinVar variation 3697095 (VCV003697095.2).